The following is an entry in ClinVar:

ClinVar aggregate classification (germline): Uncertain significance. Review status: criteria provided, multiple submitters, no conflicts (2 of 4 stars). 2 submissions from 2 submitters: Uncertain significance (2). Last evaluated 2024-02-27.

Conditions:
Exostoses, multiple, type 2 (EXT2). Also called: EXOSTOSES, MULTIPLE, TYPE II; Hereditary Multiple Osteochondromatosis, Type II. Identifiers: Orphanet 321, MedGen C1851413, MONDO:0007586, OMIM 133701.
Seizures-scoliosis-macrocephaly syndrome. Also called: Seizures, scoliosis, and macrocephaly syndrome; SEIZURES, SCOLIOSIS, AND MACROCEPHALY/MICROCEPHALY SYNDROME. Identifiers: Orphanet 466926, MedGen C4225248, MONDO:0014731, OMIM 616682.

Allele frequency attached by ClinVar (database versions not stated): ExAC 0.00001; TOPMed 0.00001; gnomAD 0.00002; gnomAD exomes 0.00002; ESP Exome Variant Server 0.00008.
gnomAD v4.1: 30 of 1,613,894 alleles (0.0019%); highest among the groups gnomAD compares: Non-Finnish European, 0.0024%; no homozygotes.

Submissions (2):

Fulgent Genetics
Classification: Uncertain significance for Exostoses, multiple, type 2; Seizures-scoliosis-macrocephaly syndrome. Last evaluated: 2024-02-27. Review status: criteria provided, single submitter. Criteria: ACMG Guidelines, 2015. Collection method: clinical testing. Allele origin: germline.

Labcorp Genetics (formerly Invitae), Labcorp
Classification: Uncertain significance for Exostoses, multiple, type 2. Last evaluated: 2022-07-14. Review status: criteria provided, single submitter. Criteria: Invitae Variant Classification Sherloc (09022015). Collection method: clinical testing. Allele origin: germline.
Comment: This sequence change replaces serine, which is neutral and polar, with proline, which is neutral and non-polar, at codon 591 of the EXT2 protein (p.Ser591Pro). This variant is present in population databases (rs370187162, gnomAD 0.0008%). This variant has not been reported in the literature in individuals affected with EXT2-related conditions. Algorithms developed to predict the effect of missense changes on protein structure and function (SIFT, PolyPhen-2, Align-GVGD) all suggest that this variant is likely to be disruptive. In summary, the available evidence is currently insufficient to determine the role of this variant in disease. Therefore, it has been classified as a Variant of Uncertain Significance.

NM_207122.2(EXT2):c.1771T>C (p.Ser591Pro)

Gene: EXT2 (exostosin glycosyltransferase 2; plus strand). Cytogenetic location: 11p11.2.
Variant type: single nucleotide variant.
Coding change: c.1771T>C on transcript NM_207122.2 (MANE Select); coding-DNA position 1771, T replaced by C.
Protein change: p.Ser591Pro; replaces serine 591 with proline.
Molecular consequence: missense variant.
Genome position (GRCh38, 1-based): chr11:44,232,461, T>C. VCF-style: chr11-44232461-T-C. GRCh37 (hg19) VCF-style: chr11-44254011-T-C.
Other names: c.1870T>C, p.Ser624Pro (NM_000401.3); c.1801T>C, p.Ser601Pro (NM_001178083.3); c.1771T>C, p.Ser591Pro (NM_001389628.1, NM_001389630.1); short protein forms S591P, S624P, S601P.
Identifiers: ClinVar variation 2065035 (VCV002065035.5), dbSNP rs370187162, ClinGen allele CA5955346.
Genomic context (GRCh38, chr11:44,232,461, plus strand): 5'-CATCTCTGGGACCATGAGATGAATAAGTGGAAGTATGAGTCTGAGTGGACGAATGAAGTG[T>C]CCATGGTGCTCACTGGGGCAGCTTTTTATCACAAGGTAAGGGGGCGCAGTCCTGGCAAGG-3'
Protein context (NP_997005.1, residues 581-601): KYESEWTNEV[Ser591Pro]MVLTGAAFYH